The following is an entry in ClinVar:

ClinVar aggregate classification (germline): Uncertain significance. Review status: criteria provided, multiple submitters, no conflicts (2 of 4 stars). 2 submissions from 2 submitters: Uncertain significance (2). Last evaluated 2024-05-19.

Conditions:
Tuberous sclerosis 2 (TSC2). Identifiers: Orphanet 805, MedGen C1860707, MONDO:0013199, OMIM 613254.
Hereditary cancer-predisposing syndrome. Also called: Hereditary Cancer Syndrome; Hereditary neoplastic syndrome; Neoplastic Syndromes, Hereditary; Tumor predisposition. Identifiers: Orphanet 140162, MedGen C0027672, MeSH D009386, MONDO:0015356.

Submissions (2):

Ambry Genetics
Classification: Uncertain significance for Hereditary cancer-predisposing syndrome. Last evaluated: 2024-05-19. Review status: criteria provided, single submitter. Criteria: Ambry Variant Classification Scheme 2023. Collection method: clinical testing. Allele origin: germline.
Comment: The p.L372F variant (also known as c.1114C>T), located in coding exon 10 of the TSC2 gene, results from a C to T substitution at nucleotide position 1114. The leucine at codon 372 is replaced by phenylalanine, an amino acid with highly similar properties. This amino acid position is conserved. In addition, the in silico prediction for this alteration is inconclusive. Based on the available evidence, the clinical significance of this variant remains unclear.

Labcorp Genetics (formerly Invitae), Labcorp
Classification: Uncertain significance for Tuberous sclerosis 2. Last evaluated: 2023-11-21. Review status: criteria provided, single submitter. Criteria: Invitae Variant Classification Sherloc (09022015). Collection method: clinical testing. Allele origin: germline.
Comment: This sequence change replaces leucine, which is neutral and non-polar, with phenylalanine, which is neutral and non-polar, at codon 372 of the TSC2 protein (p.Leu372Phe). This variant is not present in population databases (gnomAD no frequency). This variant has not been reported in the literature in individuals affected with TSC2-related conditions. Advanced modeling of protein sequence and biophysical properties (such as structural, functional, and spatial information, amino acid conservation, physicochemical variation, residue mobility, and thermodynamic stability) performed at Invitae indicates that this missense variant is not expected to disrupt TSC2 protein function with a negative predictive value of 95%. In summary, the available evidence is currently insufficient to determine the role of this variant in disease. Therefore, it has been classified as a Variant of Uncertain Significance.

NM_000548.5(TSC2):c.1114C>T (p.Leu372Phe)

Gene: TSC2 (TSC complex subunit 2; plus strand). Cytogenetic location: 16p13.3.
Variant type: single nucleotide variant.
Coding change: c.1114C>T on transcript NM_000548.5 (MANE Select); coding-DNA position 1114, C replaced by T.
Protein change: p.Leu372Phe; replaces leucine 372 with phenylalanine.
Molecular consequence: missense variant. On other transcripts: 5 prime UTR variant (10), non-coding transcript variant (5).
Genome position (GRCh38, 1-based): chr16:2,060,808, C>T. VCF-style: chr16-2060808-C-T. GRCh37 (hg19) VCF-style: chr16-2110809-C-T.
Other names: c.967C>T, p.Leu323Phe (NM_001406676.1, NM_001406679.1, NM_001406675.1 and 1 more transcripts); c.1057C>T, p.Leu353Phe (NM_001406677.1); c.1003C>T, p.Leu335Phe (NM_001406678.1, NM_001406670.1, NM_001318827.2); c.514C>T, p.Leu172Phe (NM_001406682.1, NM_001406683.1, NM_001406684.1 and 6 more transcripts); c.652C>T, p.Leu218Phe (NM_001406681.1); c.1114C>T, p.Leu372Phe (NM_001406663.1, NM_001406664.1, NM_001406665.1 and 6 more transcripts); c.1204C>T, p.Leu402Phe (NM_001406667.1, NM_001406668.1); c.1102C>T, p.Leu368Phe (NM_001406671.1, NM_001406673.1); and 4 more; short protein forms L323F, L335F, L353F, L368F, L383F, L172F, L218F, L372F.
Identifiers: ClinVar variation 2697835 (VCV002697835.4), dbSNP rs2151139076, ClinGen allele CA394318422.